The following is an entry in ClinVar:

NM_004064.5(CDKN1B):c.155T>G (p.Met52Arg)

Gene: CDKN1B (cyclin dependent kinase inhibitor 1B; plus strand). Cytogenetic location: 12p13.1.
Variant type: single nucleotide variant.
Coding change: c.155T>G on transcript NM_004064.5 (MANE Select); coding-DNA position 155, T replaced by G.
Protein change: p.Met52Arg; replaces methionine 52 with arginine.
Molecular consequence: missense variant.
Genome position (GRCh38, 1-based): chr12:12,717,994, T>G. VCF-style: chr12-12717994-T-G. GRCh37 (hg19) VCF-style: chr12-12870928-T-G.
Other names: short protein forms M52R.
Identifiers: ClinVar variation 469001 (VCV000469001.22), dbSNP rs543122580, ClinGen allele CA6457397.

ClinVar aggregate classification (germline): Conflicting classifications of pathogenicity. Review status: criteria provided, conflicting classifications (1 of 4 stars). 6 submissions from 6 submitters: Uncertain significance (2); Benign (1); Likely benign (2). 1 of the submissions does not count toward it. Last evaluated 2025-11-26.

Conditions:
CDKN1B-related disorder. Also called: CDKN1B-related condition.
Hereditary cancer-predisposing syndrome. Also called: Neoplastic Syndromes, Hereditary; Tumor predisposition; Hereditary neoplastic syndrome; Hereditary Cancer Syndrome. Identifiers: Orphanet 140162, MedGen C0027672, MeSH D009386, MONDO:0015356.
Multiple endocrine neoplasia type 4. Also called: MULTIPLE ENDOCRINE NEOPLASIA, TYPE IV. Identifiers: Orphanet 276152, MedGen C1970712, MONDO:0012552, OMIM 610755.

Allele frequency attached by ClinVar (database versions not stated): gnomAD exomes 0.00013 and 0.00003; 1000 Genomes Project 30x 0.00016; gnomAD 0.00034 and 0.00037; ExAC 0.00016; TOPMed 0.00045; 1000 Genomes Project 0.00020.
gnomAD v4.1: 92 of 1,614,076 alleles (0.0057%); highest among the groups gnomAD compares: African/African-American, 0.11%; no homozygotes.

Submissions (6):

Labcorp Genetics (formerly Invitae), Labcorp
Classification: Likely benign for Multiple endocrine neoplasia type 4. Last evaluated: 2025-11-26. Review status: criteria provided, single submitter. Criteria: Invitae Variant Classification Sherloc (09022015). Collection method: clinical testing. Allele origin: germline.

Dasa
Classification: Uncertain significance. Last evaluated: 2024-12-11. Review status: criteria provided, single submitter. Criteria: DASA Assertion Criteria. Collection method: clinical testing. Allele origin: germline.
Comment: NM_004064.5(CDKN1B):c.155T>G (p.Met52Arg) is a missense variant that results in the substitution of methionine with arginine. This variant is rare in population databases. The currently available literature and clinical evidence are not sufficient to establish a definitive association between this variant and the reported condition. Therefore, this variant is classified as a variant of uncertain significance.

GeneDx
Classification: Uncertain significance. Last evaluated: 2023-10-23. Review status: criteria provided, single submitter. Criteria: GeneDx Variant Classification Process June 2021. Collection method: clinical testing. Allele origin: germline. Affected: yes.
Comment: In silico analysis supports that this missense variant has a deleterious effect on protein structure/function; Has not been previously published as pathogenic or benign to our knowledge

Ambry Genetics
Classification: Benign for Hereditary cancer-predisposing syndrome. Last evaluated: 2022-10-18. Review status: criteria provided, single submitter. Criteria: Ambry Variant Classification Scheme 2023. Collection method: clinical testing. Allele origin: germline.

Sema4
Classification: Likely benign for Hereditary cancer-predisposing syndrome. Last evaluated: 2021-11-18. Review status: criteria provided, single submitter. Criteria: Sema4 Curation Guidelines. Collection method: curation. Allele origin: germline.

PreventionGenetics, part of Exact Sciences
Classification: Likely benign for CDKN1B-related condition. Last evaluated: 2022-03-22. Review status: no assertion criteria provided. Collection method: clinical testing. Allele origin: germline. Not counted in ClinVar's aggregate classification.
Comment: This variant is classified as likely benign based on ACMG/AMP sequence variant interpretation guidelines (Richards et al. 2015 PMID: 25741868, with internal and published modifications).